The following is an entry in ClinVar:

NM_001040142.2(SCN2A):c.1770G>C (p.Glu590Asp)

Gene: SCN2A (sodium voltage-gated channel alpha subunit 2; plus strand). Cytogenetic location: 2q24.3.
Variant type: single nucleotide variant.
Coding change: c.1770G>C on transcript NM_001040142.2 (MANE Select); coding-DNA position 1770, G replaced by C.
Protein change: p.Glu590Asp; replaces glutamic acid 590 with aspartic acid.
Molecular consequence: missense variant.
Genome position (GRCh38, 1-based): chr2:165,323,254, G>C. VCF-style: chr2-165323254-G-C. GRCh37 (hg19) VCF-style: chr2-166179764-G-C.
Other names: c.1770G>C, p.Glu590Asp (NM_001040143.2, NM_001371246.1, NM_001371247.1 and 1 more transcripts); short protein forms E590D.
Identifiers: ClinVar variation 1193095 (VCV001193095.3), dbSNP rs1698165169, ClinGen allele CA349026669.

ClinVar aggregate classification (germline): Uncertain significance (1 of 4 stars; one submission).

Allele frequency attached by ClinVar (database versions not stated): TOPMed 0.00002.

Submission:

GeneDx
Classification: Uncertain significance. Last evaluated: 2025-06-11. Review status: criteria provided, single submitter. Criteria: GeneDx Variant Classification Process June 2021. Collection method: clinical testing. Allele origin: germline. Affected: yes.
Comment: Not observed at significant frequency in large population cohorts (gnomAD); In silico analysis suggests that this missense variant does not alter protein structure/function; Has not been previously published as pathogenic or benign to our knowledge